The following is an entry in ClinVar:

NM_000059.4(BRCA2):c.8404C>G (p.Pro2802Ala)

Gene: BRCA2 (BRCA2 DNA repair associated; plus strand). Cytogenetic location: 13q13.1.
Variant type: single nucleotide variant.
Coding change: c.8404C>G on transcript NM_000059.4 (MANE Select); coding-DNA position 8404, C replaced by G.
Protein change: p.Pro2802Ala; replaces proline 2802 with alanine.
Molecular consequence: missense variant.
Genome position (GRCh38, 1-based): chr13:32,370,474, C>G. VCF-style: chr13-32370474-C-G. GRCh37 (hg19) VCF-style: chr13-32944611-C-G.
Other names: short protein forms P2802A.
Identifiers: ClinVar variation 231632 (VCV000231632.10), dbSNP rs876659273, ClinGen allele CA10579782.

ClinVar aggregate classification (germline): Conflicting classifications of pathogenicity. Review status: criteria provided, conflicting classifications (1 of 4 stars). 3 submissions from 3 submitters: Uncertain significance (2); Likely benign (1). Last evaluated 2025-05-07.

Conditions:
Hereditary cancer-predisposing syndrome. Also called: Hereditary Cancer Syndrome; Neoplastic Syndromes, Hereditary; Tumor predisposition; Hereditary neoplastic syndrome. Identifiers: Orphanet 140162, MedGen C0027672, MeSH D009386, MONDO:0015356.
Breast-ovarian cancer, familial, susceptibility to, 2 (BROVCA2). Also called: BRCA2 Hereditary Breast and Ovarian Cancer. Identifiers: Orphanet 145, MedGen C2675520, MONDO:0012933, OMIM 612555. Disease mechanism: loss of function.
Hereditary breast ovarian cancer syndrome. Also called: Hereditary breast and/or ovarian cancer syndrome; BRCA1- and BRCA2-Associated Hereditary Breast and Ovarian Cancer; Hereditary breast and ovarian cancer syndrome (HBOC); Hereditary breast and ovarian cancer; Hereditary breast and ovarian cancer syndrome; Breast and ovarian cancer. Identifiers: Orphanet 145, MedGen C0677776, MeSH D061325, MONDO:0003582. Disease mechanism: loss of function.

Submissions (3):

Ambry Genetics
Classification: Likely benign for Hereditary cancer-predisposing syndrome. Last evaluated: 2025-05-07. Review status: criteria provided, single submitter. Criteria: Ambry Variant Classification Scheme 2023. Collection method: clinical testing. Allele origin: germline.

All of Us Research Program, National Institutes of Health
Classification: Uncertain significance for Breast-ovarian cancer, familial, susceptibility to, 2. Last evaluated: 2023-06-08. Review status: criteria provided, single submitter. Criteria: ACMG Guidelines, 2015. Collection method: clinical testing. Allele origin: germline. Inheritance: Autosomal dominant inheritance. Observed: 1 variant allele, 1 heterozygote.
Comment: This missense variant replaces proline with alanine at codon 2802 of the BRCA2 protein. Computational prediction suggests that this variant may not impact protein structure and function (internally defined REVEL score threshold <= 0.5, PMID: 27666373). To our knowledge, functional studies have not been reported for this variant. This variant has not been reported in individuals affected with BRCA2-related disorders in the literature. This variant has not been identified in the general population by the Genome Aggregation Database (gnomAD). The available evidence is insufficient to determine the role of this variant in disease conclusively. Therefore, this variant is classified as a Variant of Uncertain Significance.

This study involves interpretation of variants in research participants for the purpose of population health screening. Participant phenotype was not available at the time of variant classification. Additional details can be found in publication PMID: 35346344, PMCID: PMC8962531

Labcorp Genetics (formerly Invitae), Labcorp
Classification: Uncertain significance for Hereditary breast ovarian cancer syndrome. Last evaluated: 2023-04-24. Review status: criteria provided, single submitter. Criteria: Invitae Variant Classification Sherloc (09022015). Collection method: clinical testing. Allele origin: germline.
Comment: This sequence change replaces proline, which is neutral and non-polar, with alanine, which is neutral and non-polar, at codon 2802 of the BRCA2 protein (p.Pro2802Ala). In summary, the available evidence is currently insufficient to determine the role of this variant in disease. Therefore, it has been classified as a Variant of Uncertain Significance. Advanced modeling of protein sequence and biophysical properties (such as structural, functional, and spatial information, amino acid conservation, physicochemical variation, residue mobility, and thermodynamic stability) performed at Invitae indicates that this missense variant is not expected to disrupt BRCA2 protein function. ClinVar contains an entry for this variant (Variation ID: 231632). This variant has not been reported in the literature in individuals affected with BRCA2-related conditions. This variant is not present in population databases (gnomAD no frequency).